The following is an entry in ClinVar:

ClinVar aggregate classification (germline): Uncertain significance (1 of 4 stars; one submission).

gnomAD v4.1: 499 of 1,612,432 alleles (0.031%); highest among the groups gnomAD compares: Non-Finnish European, 0.035%; no homozygotes.

Submission:

GeneDx
Classification: Uncertain significance. Last evaluated: 2023-12-01. Review status: criteria provided, single submitter. Criteria: GeneDx Variant Classification Process June 2021. Collection method: clinical testing. Allele origin: germline. Affected: yes.
Comment: In silico analysis supports that this missense variant has a deleterious effect on protein structure/function; Has not been previously published as pathogenic or benign to our knowledge

NM_001080453.3(INTS1):c.3370T>A (p.Phe1124Ile)

Gene: INTS1 (integrator complex subunit 1; minus strand). Cytogenetic location: 7p22.3.
Variant type: single nucleotide variant.
Coding change: c.3370T>A on transcript NM_001080453.3 (MANE Select); coding-DNA position 3370, T replaced by A.
Protein change: p.Phe1124Ile; replaces phenylalanine 1124 with isoleucine.
Molecular consequence: missense variant.
Genome position (GRCh38, 1-based): chr7:1,484,062, A>T on the plus strand (T>A on the coding strand, the complement: INTS1 is on the minus strand). VCF-style: chr7-1484062-A-T. GRCh37 (hg19) VCF-style: chr7-1523698-A-T.
Other names: short protein forms F1124I.
Identifiers: ClinVar variation 3343888 (VCV003343888.1).
Genomic context (GRCh38, chr7:1,484,062, plus strand): 5'-CCCAGCTGTAGACCTCCTCGCCCTCCTTGCTCTGCCGCATGCGCCTCACGTAGCGTGAGA[A>T]GATGGACAACAGAGCGCTCAGCACGGCGTCCGACGCGGCACTCGGGGAGAGCTTCGAGAA-3'
Protein context (NP_001073922.2, residues 1114-1134): DAVLSALLSI[Phe1124Ile]SRYVRRMRQS